The following is an entry in ClinVar:

ClinVar aggregate classification (germline): Uncertain significance (1 of 4 stars; one submission).

gnomAD v4.1: 5 of 1,613,854 alleles (0.00031%); no homozygotes.

Submission:

GeneDx
Classification: Uncertain significance. Last evaluated: 2025-03-10. Review status: criteria provided, single submitter. Criteria: GeneDx Variant Classification Process June 2021. Collection method: clinical testing. Allele origin: germline. Affected: yes.
Comment: Not observed at significant frequency in large population cohorts (gnomAD); In silico analysis supports that this missense variant has a deleterious effect on protein structure/function; Has not been previously published as pathogenic or benign to our knowledge

NM_017646.6(TRIT1):c.1084C>A (p.Pro362Thr)

Gene: TRIT1 (tRNA isopentenyltransferase 1; minus strand). Cytogenetic location: 1p34.2.
Variant type: single nucleotide variant.
Coding change: c.1084C>A on transcript NM_017646.6 (MANE Select); coding-DNA position 1084, C replaced by A.
Protein change: p.Pro362Thr; replaces proline 362 with threonine.
Molecular consequence: missense variant.
Genome position (GRCh38, 1-based): chr1:39,844,563, G>T on the plus strand (C>A on the coding strand, the complement: TRIT1 is on the minus strand). VCF-style: chr1-39844563-G-T. GRCh37 (hg19) VCF-style: chr1-40310235-G-T.
Other names: c.1006C>A, p.Pro336Thr (NM_001312691.2); c.838C>A, p.Pro280Thr (NM_001312692.2); short protein forms P280T, P336T, P362T.
Identifiers: ClinVar variation 4082902 (VCV004082902.1).
Genomic context (GRCh38, chr1:39,844,563, plus strand): 5'-AATAGAATGTATCATGATTCATAATTACCTGGATGAAACTTTGCACGATTTCAAGAGCAG[G>T]TTCAAGAACAGACTCTTCCCACTTCGAGACATCAGATACCTCTAAGCCATAGACAGGGGG-3'
Protein context (NP_060116.2, residues 352-372): VSKWEESVLE[Pro362Thr]ALEIVQSFIQ